The following is an entry in ClinVar:

ClinVar aggregate classification (germline): Pathogenic (1 of 4 stars; one submission).

Conditions:
Nemaline myopathy 2 (NEM2). Also called: Nemaline myopathy 2, autosomal recessive. Identifiers: MedGen C1850569, MONDO:0009725, OMIM 256030.

Submission:

Labcorp Genetics (formerly Invitae), Labcorp
Classification: Pathogenic for Nemaline myopathy 2. Last evaluated: 2025-09-05. Review status: criteria provided, single submitter. Criteria: Invitae Variant Classification Sherloc (09022015). Collection method: clinical testing. Allele origin: germline.
Comment: This sequence change creates a premature translational stop signal (p.Gln371Hisfs*5) in the NEB gene. It is expected to result in an absent or disrupted protein product. Loss-of-function variants in NEB are known to be pathogenic (PMID: 25205138). This variant is not present in population databases (gnomAD no frequency). This variant has not been reported in the literature in individuals affected with NEB-related conditions. For these reasons, this variant has been classified as Pathogenic.

Literature cited by the submitters: PubMed 25205138.

NM_001164508.2(NEB):c.1113del (p.Gln371fs)

Gene: NEB (nebulin; minus strand). Cytogenetic location: 2q23.3.
Variant type: Deletion.
Coding change: c.1113del on transcript NM_001164508.2 (MANE Select); coding-DNA position 1113, one base deleted (G; older notation c.1113delG).
Protein change: p.Gln371fs; shifts the reading frame from glutamine 371.
Molecular consequence: frameshift variant.
Genome position (GRCh38, 1-based): chr2:151,706,920, C deleted on the plus strand (G on the coding strand, the reverse complement: NEB is on the minus strand). VCF-style (leftmost placement, unchanged base first): chr2-151706919-GC-G. GRCh37 (hg19) VCF-style: chr2-152563433-GC-G.
Other names: c.1113del, p.Gln371fs (NM_001164507.2, NM_001271208.2, NM_004543.5); short protein forms Q371fs.
Identifiers: ClinVar variation 4724312 (VCV004724312.1).